The following is an entry in ClinVar:

NM_017999.5(RNF31):c.1439G>A (p.Arg480His)

Gene: RNF31 (ring finger protein 31; plus strand). Cytogenetic location: 14q12.
Variant type: single nucleotide variant.
Coding change: c.1439G>A on transcript NM_017999.5 (MANE Select); coding-DNA position 1439, G replaced by A.
Protein change: p.Arg480His; replaces arginine 480 with histidine.
Molecular consequence: missense variant.
Genome position (GRCh38, 1-based): chr14:24,150,839, G>A. VCF-style: chr14-24150839-G-A. GRCh37 (hg19) VCF-style: chr14-24620048-G-A.
Other names: c.1439G>A (NM_017999.4); c.986G>A, p.Arg329His (NM_001310332.2); short protein forms R480H, R329H.
Identifiers: ClinVar variation 1933801 (VCV001933801.7), dbSNP rs779294884, ClinGen allele CA7125766.
Genomic context (GRCh38, chr14:24,150,839, plus strand): 5'-GGCCCCCACGACGCCTTAGTGCCCCCCTGCCCAGTTCCTGTGGAGATCCTGAGAAGCAGC[G>A]CCAAGACAAGATGCGGGAAGAAGGCCTCCAGCTAGTGAGCATGATCCGGGTAAGGACTGG-3'
Protein context (NP_060469.4, residues 470-490): PSSCGDPEKQ[Arg480His]QDKMREEGLQ

ClinVar aggregate classification (germline): Uncertain significance. Review status: criteria provided, multiple submitters, no conflicts (2 of 4 stars). 3 submissions from 3 submitters: Uncertain significance (3). Last evaluated 2025-12-01.

Allele frequency attached by ClinVar (database versions not stated): TOPMed 0.00002; gnomAD 0.00003; ExAC 0.00011.
gnomAD v4.1: 47 of 1,579,198 alleles (0.003%); highest among the groups gnomAD compares: Middle Eastern, 0.085%; no homozygotes.

Submissions (3):

Labcorp Genetics (formerly Invitae), Labcorp
Classification: Uncertain significance. Last evaluated: 2025-12-01. Review status: criteria provided, single submitter. Criteria: Invitae Variant Classification Sherloc (09022015). Collection method: clinical testing. Allele origin: germline.
Comment: This sequence change replaces arginine, which is basic and polar, with histidine, which is basic and polar, at codon 480 of the RNF31 protein (p.Arg480His). This variant is present in population databases (rs779294884, gnomAD 0.03%). This variant has not been reported in the literature in individuals affected with RNF31-related conditions. ClinVar contains an entry for this variant (Variation ID: 1933801). An algorithm developed to predict the effect of missense changes on protein structure and function (PolyPhen-2) suggests that this variant is likely to be disruptive. In summary, the available evidence is currently insufficient to determine the role of this variant in disease. Therefore, it has been classified as a Variant of Uncertain Significance.

Ambry Genetics
Classification: Uncertain significance. Last evaluated: 2025-08-12. Review status: criteria provided, single submitter. Criteria: Ambry Variant Classification Scheme 2023. Collection method: clinical testing. Allele origin: germline.

Blueprint Genetics
Classification: Uncertain significance. Last evaluated: 2024-07-05. Review status: criteria provided, single submitter. Criteria: ACMG Guidelines, 2015. Collection method: clinical testing. Allele origin: germline.